The following is an entry in ClinVar:

ClinVar aggregate classification (germline): Uncertain significance (1 of 4 stars; one submission).

Submission:

Labcorp Genetics (formerly Invitae), Labcorp
Classification: Uncertain significance. Last evaluated: 2022-04-09. Review status: criteria provided, single submitter. Criteria: Invitae Variant Classification Sherloc (09022015). Collection method: clinical testing. Allele origin: germline.
Comment: In summary, the available evidence is currently insufficient to determine the role of this variant in disease. Therefore, it has been classified as a Variant of Uncertain Significance. Algorithms developed to predict the effect of missense changes on protein structure and function (SIFT, PolyPhen-2, Align-GVGD) all suggest that this variant is likely to be tolerated. This variant has not been reported in the literature in individuals affected with PROM1-related conditions. This variant is not present in population databases (gnomAD no frequency). This sequence change replaces lysine, which is basic and polar, with arginine, which is basic and polar, at codon 257 of the PROM1 protein (p.Lys257Arg).

NM_006017.3(PROM1):c.770A>G (p.Lys257Arg)

Gene: PROM1 (prominin 1; minus strand). Cytogenetic location: 4p15.32.
Variant type: single nucleotide variant.
Coding change: c.770A>G on transcript NM_006017.3 (MANE Select); coding-DNA position 770, A replaced by G.
Protein change: p.Lys257Arg; replaces lysine 257 with arginine.
Molecular consequence: missense variant.
Genome position (GRCh38, 1-based): chr4:16,023,340, T>C on the plus strand (A>G on the coding strand, the complement: PROM1 is on the minus strand). VCF-style: chr4-16023340-T-C. GRCh37 (hg19) VCF-style: chr4-16024963-T-C.
Other names: c.743A>G, p.Lys248Arg (NM_001145847.2, NM_001145848.2, NM_001145851.2 and 4 more transcripts); c.770A>G, p.Lys257Arg (NM_001145849.2, NM_001145850.2); short protein forms K248R, K257R.
Identifiers: ClinVar variation 2121929 (VCV002121929.4), dbSNP rs2530564321, ClinGen allele CA356422666.